The following is an entry in ClinVar:

NM_016542.4(STK26):c.426C>T (p.His142=)

Gene: STK26 (serine/threonine kinase 26; plus strand). Cytogenetic location: Xq26.2.
Variant type: single nucleotide variant.
Coding change: c.426C>T on transcript NM_016542.4 (MANE Select); coding-DNA position 426, C replaced by T.
Protein change: p.His142=; no amino-acid change (histidine 142 retained).
Molecular consequence: synonymous variant.
Genome position (GRCh38, 1-based): chrX:132,068,310, C>T. VCF-style: chrX-132068310-C-T. GRCh37 (hg19) VCF-style: chrX-131202338-C-T.
Other names: c.426C>T, p.His142= (NM_001042452.2); c.195C>T, p.His65= (NM_001042453.2).
Identifiers: ClinVar variation 2661449 (VCV002661449.24), dbSNP rs139634080, ClinGen allele CA10518609.

ClinVar aggregate classification (germline): Likely benign (1 of 4 stars; one submission).

Allele frequency attached by ClinVar (database versions not stated): ExAC 0.00048; TOPMed 0.00066; gnomAD 0.00070; ESP Exome Variant Server 0.00123; gnomAD exomes 0.00153.
gnomAD v4.1: 1,741 of 1,200,085 alleles (0.15%); highest among the groups gnomAD compares: Non-Finnish European, 0.18%; 4 homozygotes.

Submission:

CeGaT Center for Human Genetics Tuebingen
Classification: Likely benign. Last evaluated: 2023-02-01. Review status: criteria provided, single submitter. Criteria: CeGaT Center For Human Genetics Tuebingen Variant Classification Criteria Version 2. Collection method: clinical testing. Allele origin: germline. Affected: yes. Observed: 1 variant allele.
Comment: STK26: BP4, BS2